The following is an entry in ClinVar:

NC_000012.11:g.(?_65720586)_(65722403_?)del

Gene: MSRB3 (methionine sulfoxide reductase B3; plus strand). Cytogenetic location: 12q14.3.
Variant type: Deletion.
Identifiers: ClinVar variation 2427638 (VCV002427638.4).

ClinVar aggregate classification (germline): Pathogenic (1 of 4 stars; one submission).

Submission:

Labcorp Genetics (formerly Invitae), Labcorp
Classification: Pathogenic. Last evaluated: 2022-08-31. Review status: criteria provided, single submitter. Criteria: Invitae Variant Classification Sherloc (09022015). Collection method: clinical testing. Allele origin: germline.
Comment: This variant has not been reported in the literature in individuals affected with MSRB3-related conditions. For these reasons, this variant has been classified as Pathogenic. This variant is a gross deletion of the genomic region encompassing exon(s) 2-3 of the MSRB3 gene. This deletion is out-of-frame, and is expected to create a premature termination codon and result in an absent or disrupted protein product. Loss-of-function variants in MSRB3 are known to be pathogenic (PMID: 21185009).

Literature cited by the submitters: PubMed 21185009.